The following is an entry in ClinVar:

ClinVar aggregate classification (germline): Uncertain significance (1 of 4 stars; one submission).

Allele frequency attached by ClinVar (database versions not stated): gnomAD exomes 0.00001; TOPMed 0.00001; gnomAD 0.00002.
gnomAD v4.1: 11 of 1,521,730 alleles (0.00072%); highest among the groups gnomAD compares: African/African-American, 0.0042%; no homozygotes.

Submission:

Labcorp Genetics (formerly Invitae), Labcorp
Classification: Uncertain significance. Last evaluated: 2022-09-27. Review status: criteria provided, single submitter. Criteria: Invitae Variant Classification Sherloc (09022015). Collection method: clinical testing. Allele origin: germline.
Comment: This sequence change replaces leucine, which is neutral and non-polar, with proline, which is neutral and non-polar, at codon 17 of the P3H2 protein (p.Leu17Pro). This variant is not present in population databases (gnomAD no frequency). This variant has not been reported in the literature in individuals affected with P3H2-related conditions. Algorithms developed to predict the effect of missense changes on protein structure and function are either unavailable or do not agree on the potential impact of this missense change (SIFT: "Deleterious"; PolyPhen-2: "Probably Damaging"; Align-GVGD: "Class C0"). In summary, the available evidence is currently insufficient to determine the role of this variant in disease. Therefore, it has been classified as a Variant of Uncertain Significance.

NM_018192.4(P3H2):c.50T>C (p.Leu17Pro)

Genes: P3H2 (prolyl 3-hydroxylase 2; minus strand), LOC123464484 (Sharpr-MPRA regulatory region 10063; plus strand). Cytogenetic location: 3q28.
Variant type: single nucleotide variant.
Coding change: c.50T>C on transcript NM_018192.4 (MANE Select); coding-DNA position 50, T replaced by C.
Protein change: p.Leu17Pro; replaces leucine 17 with proline.
Molecular consequence: missense variant. On other transcripts: intron variant (1).
Genome position (GRCh38, 1-based): chr3:190,120,682, A>G on the plus strand (T>C on the coding strand, the complement: P3H2 is on the minus strand). VCF-style: chr3-190120682-A-G. GRCh37 (hg19) VCF-style: chr3-189838471-A-G.
Other names: c.-64+1521T>C (NM_001134418.2); short protein forms L17P.
Identifiers: ClinVar variation 1915307 (VCV001915307.2), dbSNP rs1285143964, ClinGen allele CA355860270.